The following is an entry in ClinVar:

NM_001371623.1(TCOF1):c.4426_4434AAGAAAAAG[1] (p.Lys1481_Lys1483del)

Gene: TCOF1 (treacle ribosome biogenesis factor 1; plus strand). Cytogenetic location: 5q32.
Variant type: Microsatellite.
Coding change: c.4426_4434AAGAAAAAG[1] on transcript NM_001371623.1 (MANE Select).
Protein change: p.Lys1481_Lys1483del.
Molecular consequence: inframe deletion.
Genome position: GRCh38 VCF-style: chr5-150398431-CAGAAGAAAA-C. GRCh37 (hg19) VCF-style: chr5-149777994-CAGAAGAAAA-C.
Other names: c.4192_4200AAGAAAAAG[1], p.Lys1403_Lys1405del (NM_000356.4, NM_001437406.1); c.4423_4431AAGAAAAAG[1], p.Lys1480_Lys1482del (NM_001135243.2); c.4312_4320AAGAAAAAG[1], p.Lys1443_Lys1445del (NM_001135244.2); c.4195_4203AAGAAAAAG[1], p.Lys1404_Lys1406del (NM_001135245.2); c.4309_4317AAGAAAAAG[1], p.Lys1442_Lys1444del (NM_001195141.2).
Identifiers: ClinVar variation 4747722 (VCV004747722.1).
Genomic context (GRCh38, chr5:150,398,431, plus strand): 5'-AAAAAAGAAAAGAAGAAGAAAGCAAAAAAGGCCTCAACCAAAGATTCTGAGTCACCGTCC[CAGAAGAAAA>C]AGAAGAAAAAGGTAGAGAGTTCCTGGGGTGTCTCAGGCCAGAAAACAGACCCAAACCCAA-3'

ClinVar aggregate classification (germline): Uncertain significance (1 of 4 stars; one submission).

Conditions:
Treacher Collins syndrome 1 (TCS1). Also called: TCOF1-Related Treacher Collins Syndrome. Identifiers: Orphanet 861, MedGen CN315775, MONDO:0007944, OMIM 154500.

Submission:

Labcorp Genetics (formerly Invitae), Labcorp
Classification: Uncertain significance for Treacher Collins syndrome 1. Last evaluated: 2025-04-10. Review status: criteria provided, single submitter. Criteria: Invitae Variant Classification Sherloc (09022015). Collection method: clinical testing. Allele origin: germline.
Comment: This variant, c.4432_4440del, results in the deletion of 3 amino acid(s) of the TCOF1 protein (p.Lys1480_Lys1482del), but otherwise preserves the integrity of the reading frame. This variant is present in population databases (rs778713758, gnomAD 0.009%). This variant has not been reported in the literature in individuals affected with TCOF1-related conditions. This variant has been observed in at least one individual who was not affected with TCOF1-related conditions (internal data). Experimental studies and prediction algorithms are not available or were not evaluated, and the functional significance of this variant is currently unknown. In summary, the available evidence is currently insufficient to determine the role of this variant in disease. Therefore, it has been classified as a Variant of Uncertain Significance.